The following is an entry in ClinVar:

ClinVar aggregate classification (germline): Uncertain significance (1 of 4 stars; one submission).

Allele frequency attached by ClinVar (database versions not stated): TOPMed below 0.00001; gnomAD 0.00001; gnomAD exomes 0.00001.

Submission:

Labcorp Genetics (formerly Invitae), Labcorp
Classification: Uncertain significance. Last evaluated: 2022-08-08. Review status: criteria provided, single submitter. Criteria: Invitae Variant Classification Sherloc (09022015). Collection method: clinical testing. Allele origin: germline.
Comment: In summary, the available evidence is currently insufficient to determine the role of this variant in disease. Therefore, it has been classified as a Variant of Uncertain Significance. Algorithms developed to predict the effect of missense changes on protein structure and function are either unavailable or do not agree on the potential impact of this missense change (SIFT: "Not Available"; PolyPhen-2: "Probably Damaging"; Align-GVGD: "Not Available"). ClinVar contains an entry for this variant (Variation ID: 1474248). This variant has not been reported in the literature in individuals affected with TIMM50-related conditions. This variant is present in population databases (no rsID available, gnomAD 0.002%). This sequence change replaces arginine, which is basic and polar, with tryptophan, which is neutral and slightly polar, at codon 417 of the TIMM50 protein (p.Arg417Trp).

NM_001001563.5(TIMM50):c.940C>T (p.Arg314Trp)

Gene: TIMM50 (translocase of inner mitochondrial membrane 50; plus strand). Cytogenetic location: 19q13.2.
Variant type: single nucleotide variant.
Coding change: c.940C>T on transcript NM_001001563.5 (MANE Select); coding-DNA position 940, C replaced by T.
Protein change: p.Arg314Trp; replaces arginine 314 with tryptophan.
Molecular consequence: missense variant.
Genome position (GRCh38, 1-based): chr19:39,488,625, C>T. VCF-style: chr19-39488625-C-T. GRCh37 (hg19) VCF-style: chr19-39979265-C-T.
Other names: c.601C>T, p.Arg201Trp (NM_001329559.2); short protein forms R314W, R201W.
Identifiers: ClinVar variation 1474248 (VCV001474248.8), dbSNP rs1043677393, ClinGen allele CA308240857.